The following is an entry in ClinVar:

NM_000038.6(APC):c.7172T>G (p.Ile2391Ser)

Gene: APC (APC regulator of Wnt signaling pathway; plus strand). Cytogenetic location: 5q22.2.
Variant type: single nucleotide variant.
Coding change: c.7172T>G on transcript NM_000038.6 (MANE Select); coding-DNA position 7172, T replaced by G.
Protein change: p.Ile2391Ser; replaces isoleucine 2391 with serine.
Molecular consequence: missense variant.
Genome position (GRCh38, 1-based): chr5:112,842,766, T>G. VCF-style: chr5-112842766-T-G. GRCh37 (hg19) VCF-style: chr5-112178463-T-G.
Other names: c.7172T>G, p.Ile2391Ser (NM_001127510.3, NM_001354895.2); c.7118T>G, p.Ile2373Ser (NM_001127511.3); c.7226T>G, p.Ile2409Ser (NM_001354896.2); c.7202T>G, p.Ile2401Ser (NM_001354897.2); c.7097T>G, p.Ile2366Ser (NM_001354898.2); c.7088T>G, p.Ile2363Ser (NM_001354899.2); c.7049T>G, p.Ile2350Ser (NM_001354900.2); c.6995T>G, p.Ile2332Ser (NM_001354901.2); and 5 more; short protein forms I2373S, I2391S, I2265S, I2350S, I2300S, I2108S, I2231S, I2332S.
Identifiers: ClinVar variation 559956 (VCV000559956.22), dbSNP rs747797803, ClinGen allele CA047134.

ClinVar aggregate classification (germline): Conflicting classifications of pathogenicity. Review status: criteria provided, conflicting classifications (1 of 4 stars). 6 submissions from 6 submitters: Uncertain significance (4); Likely benign (1). 1 of the submissions does not count toward it. Last evaluated 2025-02-19.

Conditions:
Familial adenomatous polyposis 1 (FAP1). Also called: FAMILIAL ADENOMATOUS POLYPOSIS 1, ATTENUATED; POLYPOSIS, ADENOMATOUS INTESTINAL. Identifiers: MedGen C2713442, MONDO:0021056, OMIM 175100. Disease mechanism: loss of function.
Carcinoma of colon (CRC). Also called: Colon carcinoma; Colonic carcinoma. Identifiers: MedGen C0699790, MONDO:0002032.
Classic or attenuated familial adenomatous polyposis. Identifiers: MedGen CN372698, MONDO:0021057.
Hereditary cancer-predisposing syndrome. Also called: Hereditary neoplastic syndrome; Tumor predisposition; Neoplastic Syndromes, Hereditary; Hereditary Cancer Syndrome. Identifiers: Orphanet 140162, MedGen C0027672, MeSH D009386, MONDO:0015356.

Allele frequency attached by ClinVar (database versions not stated): gnomAD exomes 0.00001 and 0.00002; TOPMed 0.00001; ExAC 0.00002.
gnomAD v4.1: 4 of 1,613,996 alleles (0.00025%); highest among the groups gnomAD compares: South Asian, 0.0044%; no homozygotes.

Submissions (6):

Labcorp Genetics (formerly Invitae), Labcorp
Classification: Uncertain significance for Familial adenomatous polyposis 1. Last evaluated: 2025-02-19. Review status: criteria provided, single submitter. Criteria: Invitae Variant Classification Sherloc (09022015). Collection method: clinical testing. Allele origin: germline.
Comment: This sequence change replaces isoleucine, which is neutral and non-polar, with serine, which is neutral and polar, at codon 2391 of the APC protein (p.Ile2391Ser). This variant is present in population databases (rs747797803, gnomAD 0.01%). This variant has not been reported in the literature in individuals affected with APC-related conditions. ClinVar contains an entry for this variant (Variation ID: 559956). Invitae Evidence Modeling of protein sequence and biophysical properties (such as structural, functional, and spatial information, amino acid conservation, physicochemical variation, residue mobility, and thermodynamic stability) indicates that this missense variant is not expected to disrupt APC protein function with a negative predictive value of 95%. In summary, the available evidence is currently insufficient to determine the role of this variant in disease. Therefore, it has been classified as a Variant of Uncertain Significance.

All of Us Research Program, National Institutes of Health
Classification: Uncertain significance for Classic or attenuated familial adenomatous polyposis. Last evaluated: 2024-07-29. Review status: criteria provided, single submitter. Criteria: ACMG Guidelines, 2015. Collection method: clinical testing. Allele origin: germline. Inheritance: Autosomal dominant inheritance. Observed: 3 variant alleles, 3 heterozygotes.
Comment: This missense variant replaces isoleucine with serine at codon 2391 of the APC protein. Computational prediction is inconclusive regarding the impact of this variant on protein structure and function (internally defined REVEL score threshold 0.5 < inconclusive < 0.7, PMID: 27666373). To our knowledge, functional studies have not been reported for this variant. This variant has not been reported in individuals affected with APC-related disorders in the literature. This variant has been identified in 4/250296 chromosomes in the general population by the Genome Aggregation Database (gnomAD). The available evidence is insufficient to determine the role of this variant in disease conclusively. Therefore, this variant is classified as a Variant of Uncertain Significance.

This study involves interpretation of variants in research participants for the purpose of population health screening. Participant phenotype was not available at the time of variant classification. Additional details can be found in publication PMID: 35346344, PMCID: PMC8962531

Color Diagnostics, LLC DBA Color Health
Classification: Uncertain significance for Hereditary cancer-predisposing syndrome. Last evaluated: 2024-03-06. Review status: criteria provided, single submitter. Criteria: ACMG Guidelines, 2015. Collection method: clinical testing. Allele origin: germline.
Comment: This missense variant replaces isoleucine with serine at codon 2391 of the APC protein. Computational prediction is inconclusive regarding the impact of this variant on protein structure and function (internally defined REVEL score threshold 0.5 < inconclusive < 0.7, PMID: 27666373). To our knowledge, functional studies have not been reported for this variant. This variant has not been reported in individuals affected with APC-related disorders in the literature. This variant has been identified in 4/250296 chromosomes in the general population by the Genome Aggregation Database (gnomAD). The available evidence is insufficient to determine the role of this variant in disease conclusively. Therefore, this variant is classified as a Variant of Uncertain Significance.

Baylor Genetics
Classification: Uncertain significance for Familial adenomatous polyposis 1. Last evaluated: 2024-03-03. Review status: criteria provided, single submitter. Criteria: ACMG Guidelines, 2015. Collection method: clinical testing. Allele origin: unknown.

Ambry Genetics
Classification: Likely benign for Hereditary cancer-predisposing syndrome. Last evaluated: 2021-07-09. Review status: criteria provided, single submitter. Criteria: Ambry Variant Classification Scheme 2023. Collection method: clinical testing. Allele origin: germline.

3DMed Clinical Laboratory Inc
Classification: Uncertain significance for Carcinoma of colon. Last evaluated: 2017-10-26. Review status: no assertion criteria provided. Criteria: ACMG Guidelines, 2015. Collection method: clinical testing. Allele origin: germline. Affected: yes. Not counted in ClinVar's aggregate classification.